The following is an entry in ClinVar:

ClinVar aggregate classification (germline): Likely benign (1 of 4 stars; one submission).

gnomAD v4.1: 238 of 1,553,244 alleles (0.015%); highest among the groups gnomAD compares: Non-Finnish European, 0.018%; no homozygotes.

Submission:

CeGaT Center for Human Genetics Tuebingen
Classification: Likely benign. Last evaluated: 2026-04-01. Review status: criteria provided, single submitter. Criteria: CeGaT Center For Human Genetics Tuebingen Variant Classification Criteria Version 2. Collection method: clinical testing. Allele origin: germline. Affected: yes. Observed: 1 variant allele.
Comment: VPS53: BP4, BP7

NM_001128159.3(VPS53):c.1218+24G>A

Genes: VPS53 (VPS53 subunit of GARP complex; minus strand), LOC126862457 (BRD4-independent group 4 enhancer GRCh37_chr17:504328-505527; plus strand). Cytogenetic location: 17p13.3.
Variant type: single nucleotide variant.
Coding change: c.1218+24G>A on transcript NM_001128159.3 (MANE Select); 24 bases into the intron after coding-DNA position 1218, G replaced by A.
Molecular consequence: intron variant.
Genome position (GRCh38, 1-based): chr17:601,771, C>T on the plus strand (G>A on the coding strand, the complement: VPS53 is on the minus strand). VCF-style: chr17-601771-C-T. GRCh37 (hg19) VCF-style: chr17-505011-C-T.
Other names: c.1131+24G>A (NM_018289.4); c.1218+24G>A (NM_001366253.2); c.624+24G>A (NM_001366254.2).
Identifiers: ClinVar variation 4872602 (VCV004872602.2).